The following is an entry in ClinVar:

ClinVar aggregate classification (germline): Likely benign. Review status: criteria provided, multiple submitters, no conflicts (2 of 4 stars). 3 submissions from 3 submitters: Likely benign (2). 1 of the submissions does not count toward it. Last evaluated 2025-10-19.

Conditions:
REST-related disorder. Also called: REST-related condition.

Allele frequency attached by ClinVar (database versions not stated): TOPMed 0.00006; gnomAD 0.00007 and 0.00011; ESP Exome Variant Server 0.00008; ExAC 0.00011; gnomAD exomes 0.00011 and 0.00016.

Submissions (3):

Labcorp Genetics (formerly Invitae), Labcorp
Classification: Likely benign. Last evaluated: 2025-10-19. Review status: criteria provided, single submitter. Criteria: Invitae Variant Classification Sherloc (09022015). Collection method: clinical testing. Allele origin: germline.

Blueprint Genetics
Classification: Likely benign. Last evaluated: 2024-08-27. Review status: criteria provided, single submitter. Criteria: ACMG Guidelines, 2015. Collection method: clinical testing. Allele origin: germline.

PreventionGenetics, part of Exact Sciences
Classification: Likely benign for REST-related condition. Last evaluated: 2022-02-23. Review status: no assertion criteria provided. Collection method: clinical testing. Allele origin: germline. Not counted in ClinVar's aggregate classification.
Comment: This variant is classified as likely benign based on ACMG/AMP sequence variant interpretation guidelines (Richards et al. 2015 PMID: 25741868, with internal and published modifications).

NM_005612.5(REST):c.3164C>T (p.Ala1055Val)

Gene: REST (RE1 silencing transcription factor; plus strand). Cytogenetic location: 4q12.
Variant type: single nucleotide variant.
Coding change: c.3164C>T on transcript NM_005612.5 (MANE Select); coding-DNA position 3164, C replaced by T.
Protein change: p.Ala1055Val; replaces alanine 1055 with valine.
Molecular consequence: missense variant.
Genome position (GRCh38, 1-based): chr4:56,932,022, C>T. VCF-style: chr4-56932022-C-T. GRCh37 (hg19) VCF-style: chr4-57798188-C-T.
Other names: c.3164C>T, p.Ala1055Val (NM_001193508.2, NM_001363453.3); short protein forms A1055V.
Identifiers: ClinVar variation 961509 (VCV000961509.13), dbSNP rs201227059, ClinGen allele CA2932630.